The following is an entry in ClinVar:

NM_019032.6(ADAMTSL4):c.3155C>A (p.Pro1052His)

Gene: ADAMTSL4 (ADAMTS like 4; plus strand). Cytogenetic location: 1q21.2.
Variant type: single nucleotide variant.
Coding change: c.3155C>A on transcript NM_019032.6 (MANE Select); coding-DNA position 3155, C replaced by A.
Protein change: p.Pro1052His; replaces proline 1052 with histidine.
Molecular consequence: missense variant.
Genome position (GRCh38, 1-based): chr1:150,560,126, C>A. VCF-style: chr1-150560126-C-A. GRCh37 (hg19) VCF-style: chr1-150532602-C-A.
Other names: c.3038C>A, p.Pro1013His (NM_001288607.2); c.3224C>A, p.Pro1075His (NM_001288608.2); c.3155C>A, p.Pro1052His (NM_001378596.1); short protein forms P1052H, P1075H, P1013H.
Identifiers: ClinVar variation 1359619 (VCV001359619.5), dbSNP rs371789140, ClinGen allele CA342319359.

ClinVar aggregate classification (germline): Uncertain significance (1 of 4 stars; one submission).

Submission:

Labcorp Genetics (formerly Invitae), Labcorp
Classification: Uncertain significance. Last evaluated: 2021-09-24. Review status: criteria provided, single submitter. Criteria: Invitae Variant Classification Sherloc (09022015). Collection method: clinical testing. Allele origin: germline.
Comment: This sequence change replaces proline with histidine at codon 1052 of the ADAMTSL4 protein (p.Pro1052His). The proline residue is highly conserved and there is a moderate physicochemical difference between proline and histidine. This variant is not present in population databases (ExAC no frequency). This variant has not been reported in the literature in individuals with ADAMTSL4-related conditions. Algorithms developed to predict the effect of missense changes on protein structure and function (SIFT, PolyPhen-2, Align-GVGD) all suggest that this variant is likely to be disruptive, but these predictions have not been confirmed by published functional studies and their clinical significance is uncertain. In summary, the available evidence is currently insufficient to determine the role of this variant in disease. Therefore, it has been classified as a Variant of Uncertain Significance.